The following is an entry in ClinVar:

ClinVar aggregate classification (germline): Uncertain significance (1 of 4 stars; one submission).

Conditions:
Hypertrophic cardiomyopathy. Also called: HYPERTROPHIC MYOCARDIOPATHY. Identifiers: Orphanet 217569, MedGen C0007194, MeSH D002312, MONDO:0005045, HP:0001639.

Submission:

Labcorp Genetics (formerly Invitae), Labcorp
Classification: Uncertain significance for Hypertrophic cardiomyopathy. Last evaluated: 2019-10-23. Review status: criteria provided, single submitter. Criteria: Invitae Variant Classification Sherloc (09022015). Collection method: clinical testing. Allele origin: germline.
Comment: This variant is found within a region of MYH7 between codons 181 and 937 that contains the majority of the myosin head domain. Missense variants in this region have been shown to be significantly overrepresented in individuals with hypertrophic cardiomyopathy (PMID: 27532257). In summary, the available evidence is currently insufficient to determine the role of this variant in disease. Therefore, it has been classified as a Variant of Uncertain Significance. Algorithms developed to predict the effect of missense changes on protein structure and function are either unavailable or do not agree on the potential impact of this missense change (SIFT: "Deleterious"; PolyPhen-2: "Probably Damaging"; Align-GVGD: "Class C0"). This variant has been reported in individuals in the Leiden Open-source Variation Database (PMID: 21520333). This variant is not present in population databases (ExAC no frequency). This sequence change replaces leucine with proline at codon 216 of the MYH7 protein (p.Leu216Pro). The leucine residue is highly conserved and there is a moderate physicochemical difference between leucine and proline.

Literature cited by the submitters: PubMed 27532257; PubMed 21520333.

NM_000257.4(MYH7):c.647T>C (p.Leu216Pro)

Gene: MYH7 (myosin heavy chain 7; minus strand). Cytogenetic location: 14q11.2.
Variant type: single nucleotide variant.
Coding change: c.647T>C on transcript NM_000257.4 (MANE Select); coding-DNA position 647, T replaced by C.
Protein change: p.Leu216Pro; replaces leucine 216 with proline.
Molecular consequence: missense variant.
Genome position (GRCh38, 1-based): chr14:23,431,670, A>G on the plus strand (T>C on the coding strand, the complement: MYH7 is on the minus strand). VCF-style: chr14-23431670-A-G. GRCh37 (hg19) VCF-style: chr14-23900879-A-G.
Other names: short protein forms L216P.
Identifiers: ClinVar variation 955436 (VCV000955436.9), dbSNP rs1892948213, ClinGen allele CA389052339.
Genomic context (GRCh38, chr14:23,431,670, plus strand): 5'-ACGGTCTTGGCATTGCCAAAGGCCTCCAGAGCAGGGTTGGCCTGGATGATCTGGTCCTCC[A>G]GGGTGCCCTGCAGAGGCCAAGAAGGAGGCAGGTGAGAGCTCTTCTCCCTCCCTTTCTGCG-3'
Protein context (NP_000248.2, residues 206-226): KKDQSPGKGT[Leu216Pro]EDQIIQANPA